The following is an entry in ClinVar:

ClinVar aggregate classification (germline): Uncertain significance (1 of 4 stars; one submission).

Conditions:
Mucopolysaccharidosis type 7 (MPS7). Also called: BETA-GLUCURONIDASE DEFICIENCY; GUSB DEFICIENCY; SLY SYNDROME; MPS VII. Identifiers: Orphanet 584, MedGen C0085132, MONDO:0009662, OMIM 253220.

Submission:

Labcorp Genetics (formerly Invitae), Labcorp
Classification: Uncertain significance for Mucopolysaccharidosis type 7. Last evaluated: 2024-01-08. Review status: criteria provided, single submitter. Criteria: Invitae Variant Classification Sherloc (09022015). Collection method: clinical testing. Allele origin: germline.
Comment: This sequence change replaces tyrosine, which is neutral and polar, with cysteine, which is neutral and slightly polar, at codon 205 of the GUSB protein (p.Tyr205Cys). This variant is not present in population databases (gnomAD no frequency). This variant has not been reported in the literature in individuals affected with GUSB-related conditions. ClinVar contains an entry for this variant (Variation ID: 1477987). Advanced modeling of protein sequence and biophysical properties (such as structural, functional, and spatial information, amino acid conservation, physicochemical variation, residue mobility, and thermodynamic stability) performed at Invitae indicates that this missense variant is not expected to disrupt GUSB protein function with a negative predictive value of 80%. In summary, the available evidence is currently insufficient to determine the role of this variant in disease. Therefore, it has been classified as a Variant of Uncertain Significance.

NM_000181.4(GUSB):c.614A>G (p.Tyr205Cys)

Gene: GUSB (glucuronidase beta; minus strand). Cytogenetic location: 7q11.21.
Variant type: single nucleotide variant.
Coding change: c.614A>G on transcript NM_000181.4 (MANE Select); coding-DNA position 614, A replaced by G.
Protein change: p.Tyr205Cys; replaces tyrosine 205 with cysteine.
Molecular consequence: missense variant. On other transcripts: non-coding transcript variant (1), intron variant (2).
Genome position (GRCh38, 1-based): chr7:65,979,509, T>C on the plus strand (A>G on the coding strand, the complement: GUSB is on the minus strand). VCF-style: chr7-65979509-T-C. GRCh37 (hg19) VCF-style: chr7-65444496-T-C.
Other names: c.44A>G, p.Tyr15Cys (NM_001293104.2); c.67+715A>G (NM_001293105.2); c.474+325A>G (NM_001284290.2); short protein forms Y15C, Y205C.
Identifiers: ClinVar variation 1477987 (VCV001477987.6), dbSNP rs2116029247, ClinGen allele CA367649655.